The following is an entry in ClinVar:

ClinVar aggregate classification (germline): Uncertain significance (1 of 4 stars; one submission).

Conditions:
Hereditary spastic paraplegia 6 (SPG6). Also called: SPASTIC PARAPLEGIA 6, AUTOSOMAL DOMINANT. Identifiers: Orphanet 100988, MedGen C1838192, MONDO:0010878, OMIM 600363.

Submission:

Labcorp Genetics (formerly Invitae), Labcorp
Classification: Uncertain significance for Hereditary spastic paraplegia 6. Last evaluated: 2022-06-29. Review status: criteria provided, single submitter. Criteria: Invitae Variant Classification Sherloc (09022015). Collection method: clinical testing. Allele origin: germline.
Comment: In summary, the available evidence is currently insufficient to determine the role of this variant in disease. Therefore, it has been classified as a Variant of Uncertain Significance. This sequence change replaces methionine, which is neutral and non-polar, with threonine, which is neutral and polar, at codon 76 of the NIPA1 protein (p.Met76Thr). This variant is not present in population databases (gnomAD no frequency). Algorithms developed to predict the effect of missense changes on protein structure and function are either unavailable or do not agree on the potential impact of this missense change (SIFT: "Deleterious"; PolyPhen-2: "Benign"; Align-GVGD: "Class C25"). This variant has not been reported in the literature in individuals affected with NIPA1-related conditions.

NM_144599.5(NIPA1):c.227T>C (p.Met76Thr)

Gene: NIPA1 (NIPA magnesium transporter 1; plus strand). Cytogenetic location: 15q11.2.
Variant type: single nucleotide variant.
Coding change: c.227T>C on transcript NM_144599.5 (MANE Select); coding-DNA position 227, T replaced by C.
Protein change: p.Met76Thr; replaces methionine 76 with threonine.
Molecular consequence: missense variant.
Genome position (GRCh38, 1-based): chr15:22,812,163, T>C. VCF-style: chr15-22812163-T-C. GRCh37 (hg19) VCF-style: chr15-23060905-A-G.
Other names: c.2T>C, p.Met1Thr (NM_001142275.1); short protein forms M1T, M76T.
Identifiers: ClinVar variation 1984697 (VCV001984697.4), dbSNP rs2504970915, ClinGen allele CA391302968.